The following is an entry in ClinVar:

ClinVar aggregate classification (germline): Uncertain significance (1 of 4 stars; one submission).

Submission:

Labcorp Genetics (formerly Invitae), Labcorp
Classification: Uncertain significance. Last evaluated: 2025-10-28. Review status: criteria provided, single submitter. Criteria: Invitae Variant Classification Sherloc (09022015). Collection method: clinical testing. Allele origin: germline.
Comment: This sequence change replaces aspartic acid, which is acidic and polar, with asparagine, which is neutral and polar, at codon 1422 of the POLE protein (p.Asp1422Asn). This variant is not present in population databases (gnomAD no frequency). This variant has not been reported in the literature in individuals affected with POLE-related conditions. Invitae Evidence Modeling of protein sequence and biophysical properties (such as structural, functional, and spatial information, amino acid conservation, physicochemical variation, residue mobility, and thermodynamic stability) indicates that this missense variant is not expected to disrupt POLE protein function with a negative predictive value of 80%. In summary, the available evidence is currently insufficient to determine the role of this variant in disease. Therefore, it has been classified as a Variant of Uncertain Significance.

NM_006231.4(POLE):c.4264G>A (p.Asp1422Asn)

Gene: POLE (DNA polymerase epsilon, catalytic subunit; minus strand). Cytogenetic location: 12q24.33.
Variant type: single nucleotide variant.
Coding change: c.4264G>A on transcript NM_006231.4 (MANE Select); coding-DNA position 4264, G replaced by A.
Protein change: p.Asp1422Asn; replaces aspartic acid 1422 with asparagine.
Molecular consequence: missense variant.
Genome position (GRCh38, 1-based): chr12:132,643,863, C>T on the plus strand (G>A on the coding strand, the complement: POLE is on the minus strand). VCF-style: chr12-132643863-C-T. GRCh37 (hg19) VCF-style: chr12-133220449-C-T.
Other names: short protein forms D1422N.
Identifiers: ClinVar variation 4745589 (VCV004745589.1).